The following is an entry in ClinVar:

NM_000061.3(BTK):c.1631G>A (p.Arg544Lys)

Gene: BTK (Bruton tyrosine kinase; minus strand). Cytogenetic location: Xq22.1.
Variant type: single nucleotide variant.
Coding change: c.1631G>A on transcript NM_000061.3 (MANE Select); coding-DNA position 1631, G replaced by A.
Protein change: p.Arg544Lys; replaces arginine 544 with lysine.
Molecular consequence: missense variant.
Genome position (GRCh38, 1-based): chrX:101,354,630, C>T on the plus strand (G>A on the coding strand, the complement: BTK is on the minus strand). VCF-style: chrX-101354630-C-T. GRCh37 (hg19) VCF-style: chrX-100609618-C-T.
Other names: c.1733G>A, p.Arg578Lys (NM_001287344.2); c.1103G>A, p.Arg368Lys (NM_001287345.2); short protein forms R368K, R578K, R544K.
Identifiers: ClinVar variation 2737291 (VCV002737291.3), dbSNP rs2520540293, ClinGen allele CA413921825.

ClinVar aggregate classification (germline): Uncertain significance (1 of 4 stars; one submission).

Conditions:
X-linked agammaglobulinemia with growth hormone deficiency (IGHD3). Also called: AGAMMAGLOBULINEMIA AND ISOLATED GROWTH HORMONE DEFICIENCY, X-LINKED; FLEISHER SYNDROME; Isolated growth hormone deficiency type 3; Growth hormone deficiency with hypogammaglobulinemia; HYPOGAMMAGLOBULINEMIA AND ISOLATED GROWTH HORMONE DEFICIENCY, X-LINKED; IGHD III. Identifiers: Orphanet 231692, Orphanet 631, MedGen C0472813, MONDO:0010615, OMIM 307200.

Submission:

Labcorp Genetics (formerly Invitae), Labcorp
Classification: Uncertain significance for X-linked agammaglobulinemia with growth hormone deficiency. Last evaluated: 2023-11-13. Review status: criteria provided, single submitter. Criteria: Invitae Variant Classification Sherloc (09022015). Collection method: clinical testing. Allele origin: germline.
Comment: This sequence change replaces arginine, which is basic and polar, with lysine, which is basic and polar, at codon 544 of the BTK protein (p.Arg544Lys). This variant also falls at the last nucleotide of exon 16, which is part of the consensus splice site for this exon. This variant is not present in population databases (gnomAD no frequency). This missense change has been observed in individual(s) with agammaglobulinemia (PMID: 8834236, 19039656). This variant is also known as 1763G>A. An algorithm developed to predict the effect of missense changes on protein structure and function (PolyPhen-2) suggests that this variant is likely to be tolerated. Variants that disrupt the consensus splice site are a relatively common cause of aberrant splicing (PMID: 17576681, 9536098). Algorithms developed to predict the effect of sequence changes on RNA splicing suggest that this variant may disrupt the consensus splice site. This variant disrupts the p.Arg544 amino acid residue in BTK. Other variant(s) that disrupt this residue have been determined to be pathogenic (PMID: 11438999, 17765309, 27512878). This suggests that this residue is clinically significant, and that variants that disrupt this residue are likely to be disease-causing. In summary, the available evidence is currently insufficient to determine the role of this variant in disease. Therefore, it has been classified as a Variant of Uncertain Significance.

Literature cited by the submitters: PubMed 8834236; PubMed 19039656; PubMed 17576681; PubMed 9536098; PubMed 11438999; PubMed 17765309; PubMed 27512878.